The following continues an entry in ClinVar:

NM_000500.7(CYP21A2):c.955C>T (p.Gln319Ter)

ClinVar aggregate classification (germline): Pathogenic. Pathogenic (25).

Submissions 14 to 32 of 33:

Labcorp Genetics (formerly Invitae), Labcorp
Classification: Pathogenic. Last evaluated: 2022-11-03. Review status: criteria provided, single submitter. Criteria: Invitae Variant Classification Sherloc (09022015). Collection method: clinical testing. Allele origin: germline.
Comment: This sequence change creates a premature translational stop signal (p.Gln319*) in the CYP21A2 gene. It is expected to result in an absent or disrupted protein product. Loss-of-function variants in CYP21A2 are known to be pathogenic (PMID: 10857554). The frequency data for this variant in the population databases (gnomAD) is considered unreliable due to the presence of homologous sequence, such as pseudogenes or paralogs, in the genome. This premature translational stop signal has been observed in individual(s) with classic salt-wasting, simple virilizing, and non-classic congenital adrenal hyperplasia due to 21-hydroxylase deficiency (PMID: 3267225, 23359698, 25538881, 26804566, 30995443). This variant is also known as p.Q318X. ClinVar contains an entry for this variant (Variation ID: 12169). For these reasons, this variant has been classified as Pathogenic.

Clinical Genetics Laboratory, Skane University Hospital Lund
Classification: Pathogenic. Last evaluated: 2022-08-18. Review status: criteria provided, single submitter. Criteria: ACMG Guidelines, 2015. Collection method: clinical testing. Allele origin: germline. Affected: yes.

AiLife Diagnostics
Classification: Pathogenic. Last evaluated: 2022-03-24. Review status: criteria provided, single submitter. Criteria: ACMG Guidelines, 2015. Collection method: clinical testing. Allele origin: germline. Affected: yes. Observed: 1 variant allele.

Women's Health and Genetics/Laboratory Corporation of America, LabCorp
Classification: Pathogenic for Congenital adrenal hyperplasia. Last evaluated: 2022-03-20. Review status: criteria provided, single submitter. Criteria: LabCorp Variant Classification Summary - May 2015. Collection method: clinical testing. Allele origin: germline.
Comment: Variant summary: CYP21A2 c.955C>T (p.Gln319X) results in a premature termination codon, predicted to cause a truncation of the encoded protein or absence of the protein due to nonsense mediated decay, which are commonly known mechanisms for disease. Truncations downstream of this position have been classified as pathogenic by our laboratory. The variant allele was found at a frequency of 0.0001 in 249104 control chromosomes. c.955C>T has been widely reported in the literature in multiple individuals affected with Congenital Adrenal Hyperplasia (example, Elmougy_2021, New_2013). These data indicate that the variant is very likely to be associated with disease. Nine clinical diagnostic laboratories have submitted clinical-significance assessments for this variant to ClinVar after 2014 without evidence for independent evaluation. All laboratories classified the variant as pathogenic. Based on the evidence outlined above, the variant was classified as pathogenic.

Dasa
Classification: Pathogenic for 21-Hydroxylase-Deficient Congenital Adrenal Hyperplasia. Last evaluated: 2022-03-05. Review status: criteria provided, single submitter. Criteria: ACMG Guidelines, 2015. Collection method: clinical testing. Allele origin: germline. Affected: yes. Observed: 2 variant alleles.
Comment: The c.955C>T;p.(Gln319*) variant creates a premature translational stop signal in the CYP21A2 gene. It is expected to result in an absent or disrupted protein product - PVS1. Well-established in vitro or in vivo functional studies supportive of a damaging effect on the gene or gene product (PMID: 3267225) - PS3. This sequence change has been observed in affected individual(s) and ClinVar contains an entry for this variant (ClinVar: 12169; PMID: 20301350; PMID: 3267225; PMID: 12220458; PMID: 29715434; PMID: 28819757; PMID: 12220458; PMID: 28392195) - PS4. The p.(Gln319*) was detected in trans with a pathogenic variant (PMID: 26804566) - PM3. In summary, the currently available evidence indicates that the variant is pathogenic.

Baylor Genetics
Classification: Pathogenic for 21-Hydroxylase-Deficient Congenital Adrenal Hyperplasia. Last evaluated: 2019-12-19. Review status: criteria provided, single submitter. Criteria: ACMG Guidelines, 2015. Collection method: clinical testing. Allele origin: unknown. Affected: yes.
Comment: This variant was determined to be pathogenic according to ACMG Guidelines, 2015 [PMID:25741868].

Myriad Genetics, Inc.
Classification: Pathogenic for 21-Hydroxylase-Deficient Congenital Adrenal Hyperplasia. Last evaluated: 2019-12-17. Review status: criteria provided, single submitter. Criteria: Myriad Women's Health Autosomal Recessive and X-Linked Classification Criteria (2019). Collection method: clinical testing. Allele origin: unknown.
Comment: NM_000500.7(CYP21A2):c.955C>T(Q319*) is classified as pathogenic in the context of congenital adrenal hyperplasia, CYP21A2-related and is associated with the classic form of the disease. Sources cited for classification include the following: PMID 14715874, 3267225, 23359698 and 23769969. Classification of NM_000500.7(CYP21A2):c.955C>T(Q319*) is based on the following criteria: The variant causes a premature termination codon that is expected to be targeted by nonsense-mediated mRNA decay and is reported in individuals with the relevant phenotype. Please note: this variant was assessed in the context of healthy population screening.

Eurofins Ntd Llc (ga)
Classification: Pathogenic. Last evaluated: 2017-08-03. Review status: criteria provided, single submitter. Criteria: EGL Classification Definitions 2015. Collection method: clinical testing. Allele origin: germline. Observed: 7 variant alleles, 6 heterozygotes, 1 homozygote.

Clinical Genetics and Genomics, Karolinska University Hospital
Classification: Pathogenic. Last evaluated: 2015-11-24. Review status: criteria provided, single submitter. Criteria: ACMG Guidelines, 2015. Collection method: clinical testing. Allele origin: germline. Affected: yes. Observed: 20 variant alleles.

CENTOGENE GmbH and LLC - Guiding Precision Medicine
Classification: Pathogenic for Congenital adrenal hyperplasia, due to 21-hydroxylase deficiency. Review status: criteria provided, single submitter. Criteria: ACMG Guidelines, 2015. Collection method: clinical testing. Allele origin: germline. Affected: yes.

Juno Genomics, Hangzhou Juno Genomics, Inc
Classification: Pathogenic for 21-Hydroxylase-Deficient Congenital Adrenal Hyperplasia. Review status: criteria provided, single submitter. Criteria: ACMG Guidelines, 2015. Collection method: clinical testing. Allele origin: germline.
Comment: Null variant in a gene where loss of function (LOF) is a known mechanism of disease.;For recessive disorders, detected in trans with a pathogenic variant.;Patient's phenotype or family history is highly specific for a disease with a single genetic etiology.

Neuberg Centre For Genomic Medicine, NCGM
Classification: Pathogenic for 21-Hydroxylase-Deficient Congenital Adrenal Hyperplasia. Review status: criteria provided, single submitter. Criteria: ACMG Guidelines, 2015. Collection method: clinical testing. Allele origin: germline. Inheritance: Autosomal recessive inheritance. Affected: yes.
Comment: The c.955C>T (p.Gln319Ter) stop gained variant in CYP21A2 gene has been reported previously in patients affected with adrenal hyperplasia (Doleschall M. et al., 2017). The p.Gln319Ter variant is reported with the allele frequency (0.01%) in the gnomAD Exomes and is novel (not in any individuals) in 1000 Genomes. This variant has been reported to the ClinVar database as Pathogenic. The nucleotide change in CYP21A2 is predicted as conserved by GERP++ and PhyloP across 100 vertebrates. This variant is predicted to cause loss of normal protein function through protein truncation. Loss of function variants have been previously reported to be disease causing. For these reasons, this variant has been classified as Pathogenic.

Department of Reproductive Genetics, International Peace Maternity and Child Health Hospital, Shanghai Jiao Tong University School of Medicine
Classification: Pathogenic for Adrenal hyperplasia, congenital, due to 21-hydroxylase deficiency. Last evaluated: 2025-05-01. Review status: no assertion criteria provided. Collection method: clinical testing. Allele origin: inherited. Affected: yes. Not counted in ClinVar's aggregate classification.

PreventionGenetics, part of Exact Sciences
Classification: Pathogenic for CYP21A2-related condition. Last evaluated: 2024-07-12. Review status: no assertion criteria provided. Collection method: clinical testing. Allele origin: germline. Not counted in ClinVar's aggregate classification.
Comment: The CYP21A2 c.955C>T variant is predicted to result in premature protein termination (p.Gln319*). This is a common deleterious variant that likely originated from the pseudogene CYP21A1P via gene conversion. As a nonsense variant resulting in a null allele, this variant is associated with salt-wasting (SW) congenital adrenal hyperplasia (CAH) (also known as Q318X; see for example at New et al. 2013. PubMed ID: 23359698; Finkielstain et al. 2011. PubMed ID: 20926536). This variant is interpreted as pathogenic.

Biochemical Molecular Genetic Laboratory, King Abdulaziz Medical City
Classification: Pathogenic for 21-Hydroxylase-Deficient Congenital Adrenal Hyperplasia. Last evaluated: 2018-04-27. Review status: no assertion criteria provided. Collection method: clinical testing. Allele origin: germline. Affected: yes. Not counted in ClinVar's aggregate classification.

OMIM
Classification: Pathogenic for ADRENAL HYPERPLASIA, CONGENITAL, DUE TO 21-HYDROXYLASE DEFICIENCY, SALT-WASTING TYPE. Last evaluated: 2002-08-01. Review status: no assertion criteria provided. Collection method: literature only. Allele origin: germline. Not counted in ClinVar's aggregate classification.

GeneReviews
No classification provided. Condition: 21-Hydroxylase-Deficient Congenital Adrenal Hyperplasia. Review status: no classification provided. Collection method: literature only. Allele origin: unknown. Not counted in ClinVar's aggregate classification.

Joint Genome Diagnostic Labs from Nijmegen and Maastricht, Radboudumc and MUMC+
Classification: Pathogenic. Review status: no assertion criteria provided. Collection method: clinical testing. Allele origin: germline. Affected: yes. Study: VKGL Data-share Consensus. Not counted in ClinVar's aggregate classification.

Laboratory of Diagnostic Genome Analysis, Leiden University Medical Center (LUMC)
Classification: Pathogenic. Review status: no assertion criteria provided. Collection method: clinical testing. Allele origin: germline. Affected: yes. Study: VKGL Data-share Consensus. Not counted in ClinVar's aggregate classification.